The following is an entry in ClinVar:

ClinVar aggregate classification (germline): Likely benign (1 of 4 stars; one submission).

gnomAD v4.1: 56 of 1,614,006 alleles (0.0035%); highest among the groups gnomAD compares: Non-Finnish European, 0.0046%; no homozygotes.

Submission:

CeGaT Center for Human Genetics Tuebingen
Classification: Likely benign. Last evaluated: 2024-09-01. Review status: criteria provided, single submitter. Criteria: CeGaT Center For Human Genetics Tuebingen Variant Classification Criteria Version 2. Collection method: clinical testing. Allele origin: germline. Affected: yes. Observed: 1 variant allele.
Comment: CUBN: BP4, BP7

NM_001081.4(CUBN):c.21T>A (p.Pro7=)

Gene: CUBN (cubilin; minus strand). Cytogenetic location: 10p13.
Variant type: single nucleotide variant.
Coding change: c.21T>A on transcript NM_001081.4 (MANE Select); coding-DNA position 21, T replaced by A.
Protein change: p.Pro7=; no amino-acid change (proline 7 retained).
Molecular consequence: synonymous variant.
Genome position (GRCh38, 1-based): chr10:17,129,745, A>T on the plus strand (T>A on the coding strand, the complement: CUBN is on the minus strand). VCF-style: chr10-17129745-A-T. GRCh37 (hg19) VCF-style: chr10-17171744-A-T.
Identifiers: ClinVar variation 3388609 (VCV003388609.14).